The following is an entry in ClinVar:

ClinVar aggregate classification (germline): Uncertain significance (1 of 4 stars; one submission).

Conditions:
Myofibrillar myopathy 4. Also called: Zaspopathy (type). Identifiers: Orphanet 98912, MedGen C4721886, MONDO:0012277, OMIM 609452.

gnomAD v4.1: 4 of 1,612,990 alleles (0.00025%); highest among the groups gnomAD compares: Non-Finnish European, 0.00034%; no homozygotes.

Submission:

Labcorp Genetics (formerly Invitae), Labcorp
Classification: Uncertain significance for Myofibrillar myopathy 4. Last evaluated: 2023-05-23. Review status: criteria provided, single submitter. Criteria: Invitae Variant Classification Sherloc (09022015). Collection method: clinical testing. Allele origin: germline.
Comment: The LDB3 gene has multiple clinically relevant transcripts. This variant occurs in alternate transcript NM_007078.3, and corresponds to NM_001080116.1:c.321+1423G>C in the primary transcript. This sequence change replaces alanine, which is neutral and non-polar, with proline, which is neutral and non-polar, at codon 156 of the LDB3 protein (p.Ala156Pro). This variant is not present in population databases (gnomAD no frequency). This variant has not been reported in the literature in individuals affected with LDB3-related conditions. ClinVar contains an entry for this variant (Variation ID: 1572811). Experimental studies and prediction algorithms are not available or were not evaluated, and the functional significance of this variant is currently unknown. Algorithms developed to predict the effect of sequence changes on RNA splicing suggest that this variant is not likely to affect RNA splicing. In summary, the available evidence is currently insufficient to determine the role of this variant in disease. Therefore, it has been classified as a Variant of Uncertain Significance.

NM_007078.3(LDB3):c.466G>C (p.Ala156Pro)

Gene: LDB3 (LIM domain binding 3; plus strand). Cytogenetic location: 10q23.2.
Variant type: single nucleotide variant.
Coding change: c.466G>C on transcript NM_007078.3 (MANE Select); coding-DNA position 466, G replaced by C.
Protein change: p.Ala156Pro; replaces alanine 156 with proline.
Molecular consequence: missense variant. On other transcripts: intron variant (5).
Genome position (GRCh38, 1-based): chr10:86,681,580, G>C. VCF-style: chr10-86681580-G-C. GRCh37 (hg19) VCF-style: chr10-88441337-G-C.
Other names: c.321+1423G>C (NM_001368068.1, NM_001368066.1, NM_001080114.2 and 2 more transcripts); c.466G>C, p.Ala156Pro (NM_001080115.2, NM_001171610.2, NM_001171611.2 and 3 more transcripts); short protein forms A156P.
Identifiers: ClinVar variation 1572811 (VCV001572811.8), dbSNP rs200596619, ClinGen allele CA211212026.
Genomic context (GRCh38, chr10:86,681,580, plus strand): 5'-CCGGAGCTCAGGCCCACCTTTAGCCCTGCCTTCTCCCGGCCCTCCGCCTTCTCCTCACTC[G>C]CCGAGGCCTCTGACCCTGGCCCTCCGCGGGCCAGCCTGAGGGCCAAGACCAGCCCAGAGG-3'
Protein context (NP_009009.1, residues 146-166): FSRPSAFSSL[Ala156Pro]EASDPGPPRA